The following is an entry in ClinVar:

NM_000051.4(ATM):c.3996del (p.Ile1332fs)

Gene: ATM (ATM serine/threonine kinase; plus strand). Cytogenetic location: 11q22.3.
Variant type: Deletion.
Coding change: c.3996del on transcript NM_000051.4 (MANE Select); coding-DNA position 3996, one base deleted (T; older notation c.3996delT).
Protein change: p.Ile1332fs; shifts the reading frame from isoleucine 1332.
Molecular consequence: frameshift variant.
Genome position (GRCh38, 1-based): chr11:108,287,602, T deleted; the last of 2 consecutive T bases (chr11:108,287,601-108,287,602); deleting either gives the same sequence. VCF-style (leftmost placement, unchanged base first): chr11-108287600-AT-A. GRCh37 (hg19) VCF-style: chr11-108158327-AT-A.
Other names: c.3996del, p.Ile1332fs (NM_001351834.2); c.3996delT (NM_000051.3); short protein forms I1332fs.
Identifiers: ClinVar variation 545760 (VCV000545760.5), dbSNP rs1555095807, ClinGen allele CA658822196.

ClinVar aggregate classification (germline): Pathogenic/Likely pathogenic. Review status: criteria provided, multiple submitters, no conflicts (2 of 4 stars). 3 submissions from 3 submitters: Pathogenic (2); Likely pathogenic (1). Last evaluated 2025-07-23.

Conditions:
Hereditary cancer-predisposing syndrome. Also called: Neoplastic Syndromes, Hereditary; Hereditary Cancer Syndrome; Tumor predisposition; Hereditary neoplastic syndrome. Identifiers: Orphanet 140162, MedGen C0027672, MeSH D009386, MONDO:0015356.

Submissions (3):

Ambry Genetics
Classification: Pathogenic for Hereditary cancer-predisposing syndrome. Last evaluated: 2025-07-23. Review status: criteria provided, single submitter. Criteria: Ambry Variant Classification Scheme 2023. Collection method: clinical testing. Allele origin: germline.
Comment: The c.3996delT pathogenic mutation, located in coding exon 26 of the ATM gene, results from a deletion of one nucleotide at nucleotide position 3996, causing a translational frameshift with a predicted alternate stop codon (p.I1332Mfs*17). This variant is considered to be rare based on population cohorts in the Genome Aggregation Database (gnomAD). This alteration is expected to result in loss of function by premature protein truncation or nonsense-mediated mRNA decay. As such, this alteration is interpreted as a disease-causing mutation.

Color Diagnostics, LLC DBA Color Health
Classification: Pathogenic for Hereditary cancer-predisposing syndrome. Last evaluated: 2020-09-28. Review status: criteria provided, single submitter. Criteria: ACMG Guidelines, 2015. Collection method: clinical testing. Allele origin: germline.
Comment: This variant causes a deletion of 1 nucleotide in exon 27 of the ATM gene, creating a premature translation stop signal. This variant is expected to result in an absent or non-functional protein product. To our knowledge, functional studies have not been reported for this variant. This variant has not been reported in individuals affected with hereditary cancer in the literature. This variant has not been identified in the general population by the Genome Aggregation Database (gnomAD). Loss of ATM function is a known mechanism of disease. Based on the available evidence, this variant is classified as Pathogenic.

GeneDx
Classification: Likely pathogenic. Last evaluated: 2017-01-16. Review status: criteria provided, single submitter. Criteria: GeneDx Variant Classification (06012015). Collection method: clinical testing. Allele origin: germline. Affected: yes.
Comment: This deletion of one nucleotide in ATM is denoted c.3996delT at the cDNA level and p.Ile1332MetfsX17 (I1332MfsX17) at the protein level. The normal sequence, with the base that is deleted in brackets, is AGAT[delT]GATC. The deletion causes a frameshift which changes an Isoleucine to a Methionine at codon 1332, and creates a premature stop codon at position 17 of the new reading frame. Although this variant has not, to our knowledge, been reported in the literature, it is predicted to cause loss of normal protein function through either protein truncation or nonsense-mediated mRNA decay. Based on the currently available information, we consider this deletion to be a likely pathogenic variant.